The following is an entry in ClinVar:

ClinVar aggregate classification (germline): Uncertain significance. Review status: criteria provided, multiple submitters, no conflicts (2 of 4 stars). 2 submissions from 2 submitters: Uncertain significance (2). Last evaluated 2024-02-12.

Conditions:
Hereditary diffuse gastric adenocarcinoma (HDGC). Also called: DIFFUSE GASTRIC AND LOBULAR BREAST CANCER SYNDROME. Identifiers: Orphanet 26106, MedGen C1708349, MONDO:0007648, OMIM 137215.
Hereditary cancer-predisposing syndrome. Also called: Neoplastic Syndromes, Hereditary; Tumor predisposition; Hereditary Cancer Syndrome; Hereditary neoplastic syndrome. Identifiers: Orphanet 140162, MedGen C0027672, MeSH D009386, MONDO:0015356.

Submissions (2):

Ambry Genetics
Classification: Uncertain significance for Hereditary cancer-predisposing syndrome. Last evaluated: 2024-02-12. Review status: criteria provided, single submitter. Criteria: Ambry Variant Classification Scheme 2023. Collection method: clinical testing. Allele origin: germline.
Comment: The p.D834N variant (also known as c.2500G>A), located in coding exon 16 of the CDH1 gene, results from a G to A substitution at nucleotide position 2500. The aspartic acid at codon 834 is replaced by asparagine, an amino acid with highly similar properties. This amino acid position is highly conserved in available vertebrate species. In addition, this alteration is predicted to be tolerated by in silico analysis. Based on the available evidence, the clinical significance of this alteration remains unclear.

Labcorp Genetics (formerly Invitae), Labcorp
Classification: Uncertain significance for Hereditary diffuse gastric adenocarcinoma. Last evaluated: 2018-02-13. Review status: criteria provided, single submitter. Criteria: Invitae Variant Classification Sherloc (09022015). Collection method: clinical testing. Allele origin: germline.
Comment: This variant is not present in population databases (ExAC no frequency). This sequence change replaces aspartic acid with asparagine at codon 834 of the CDH1 protein (p.Asp834Asn). The aspartic acid residue is highly conserved and there is a small physicochemical difference between aspartic acid and asparagine. In summary, the available evidence is currently insufficient to determine the role of this variant in disease. Therefore, it has been classified as a Variant of Uncertain Significance. Algorithms developed to predict the effect of missense changes on protein structure and function do not agree on the potential impact of this missense change (SIFT: "Deleterious"; PolyPhen-2: "Probably Damaging"; Align-GVGD: "Class C0"). This variant has not been reported in the literature in individuals with CDH1-related disease.

NM_004360.5(CDH1):c.2500G>A (p.Asp834Asn)

Gene: CDH1 (cadherin 1; plus strand). Cytogenetic location: 16q22.1.
Variant type: single nucleotide variant.
Coding change: c.2500G>A on transcript NM_004360.5 (MANE Select); coding-DNA position 2500, G replaced by A.
Protein change: p.Asp834Asn; replaces aspartic acid 834 with asparagine.
Molecular consequence: missense variant.
Genome position (GRCh38, 1-based): chr16:68,833,350, G>A. VCF-style: chr16-68833350-G-A. GRCh37 (hg19) VCF-style: chr16-68867253-G-A.
Other names: c.2500G>A (LRG_301t1); c.2317G>A, p.Asp773Asn (NM_001317184.2); c.952G>A, p.Asp318Asn (NM_001317185.2); c.535G>A, p.Asp179Asn (NM_001317186.2); short protein forms D834N, D318N, D773N, D179N.
Identifiers: ClinVar variation 566841 (VCV000566841.10), dbSNP rs1567517670, ClinGen allele CA396472178.